The following is an entry in ClinVar:

ClinVar aggregate classification (germline): Benign/Likely benign. Review status: criteria provided, multiple submitters, no conflicts (2 of 4 stars). 6 submissions from 6 submitters: Benign (3); Likely benign (2). 1 of the submissions does not count toward it. Last evaluated 2026-07-01.

Conditions:
Glycogen storage disease, type II (IOPD). Also called: CARDIOMEGALIA GLYCOGENICA DIFFUSA; GLYCOGEN STORAGE DISEASE II, INFANTILE-ONSET; POMPE DISEASE, INFANTILE-ONSET; ACID ALPHA-GLUCOSIDASE DEFICIENCY, INFANTILE-ONSET; GAA DEFICIENCY, INFANTILE-ONSET; ACID MALTASE DEFICIENCY, INFANTILE-ONSET. Identifiers: Orphanet 365, MedGen C0017921, MONDO:0009290, OMIM 232300.

Allele frequency attached by ClinVar (database versions not stated): ESP Exome Variant Server 0.12848; gnomAD exomes 0.13124 and 0.14938; TOPMed 0.13761; gnomAD 0.13841 and 0.14320; ExAC 0.15533; 1000 Genomes Project 30x 0.20472; 1000 Genomes Project 0.20707.
gnomAD v4.1: 213,309 of 1,608,916 alleles (13%); highest among the groups gnomAD compares: East Asian, 39%; 17,068 homozygotes.

Submissions (6):

Genomenon, Inc
Classification: Benign for Glycogen storage disease, type II. Last evaluated: 2026-07-01. Review status: criteria provided, single submitter. Criteria: Genomenon Sequence Variant Interpretation Standards - Updated. Collection method: curation. Allele origin: germline. Affected: no.
Comment: GAA c.2331+24T>C is an intronic variant located in intron 16. This variant is present at high allele frequency in population databases. We classify GAA c.2331+24T>C as a benign variant.

Genome-Nilou Lab
Classification: Benign for Glycogen storage disease, type II. Last evaluated: 2021-06-10. Review status: criteria provided, single submitter. Criteria: ACMG Guidelines, 2015. Collection method: clinical testing. Allele origin: germline. Affected: no.

GeneDx
Classification: Benign. Last evaluated: 2015-03-03. Review status: criteria provided, single submitter. Criteria: GeneDx Variant Classification Process June 2021. Collection method: clinical testing. Allele origin: germline. Affected: yes.

Breakthrough Genomics
Classification: Likely benign. Review status: criteria provided, single submitter. Criteria: ACMG Guidelines, 2015. Collection method: not provided. Allele origin: germline. Inheritance: Autosomal recessive inheritance. Affected: yes.

PreventionGenetics, part of Exact Sciences
Classification: Likely benign. Review status: criteria provided, single submitter. Criteria: ACMG Guidelines, 2015. Collection method: clinical testing. Allele origin: germline.

Mayo Clinic Laboratories, Mayo Clinic
Classification: Benign. Last evaluated: 2015-12-16. Review status: no assertion criteria provided. Collection method: clinical testing. Allele origin: unknown. Not counted in ClinVar's aggregate classification.

NM_000152.5(GAA):c.2331+24T>C

Gene: GAA (alpha glucosidase; plus strand). Cytogenetic location: 17q25.3.
Variant type: single nucleotide variant.
Coding change: c.2331+24T>C on transcript NM_000152.5 (MANE Select); 24 bases into the intron after coding-DNA position 2331, T replaced by C.
Molecular consequence: intron variant.
Genome position (GRCh38, 1-based): chr17:80,117,133, T>C. VCF-style: chr17-80117133-T-C. GRCh37 (hg19) VCF-style: chr17-78090932-T-C.
Other names: c.2331+24T>C (LRG_673t1, NM_001079803.3, NM_001079804.3).
Identifiers: ClinVar variation 255359 (VCV000255359.12), dbSNP rs2304831, ClinGen allele CA8815696.